The following is an entry in ClinVar:

NM_001903.5(CTNNA1):c.24C>G (p.Asn8Lys)

Gene: CTNNA1 (catenin alpha 1; plus strand). Cytogenetic location: 5q31.2.
Variant type: single nucleotide variant.
Coding change: c.24C>G on transcript NM_001903.5 (MANE Select); coding-DNA position 24, C replaced by G.
Protein change: p.Asn8Lys; replaces asparagine 8 with lysine.
Molecular consequence: missense variant. On other transcripts: 5 prime UTR variant (2).
Genome position (GRCh38, 1-based): chr5:138,781,948, C>G. VCF-style: chr5-138781948-C-G. GRCh37 (hg19) VCF-style: chr5-138117637-C-G.
Other names: c.24C>G, p.Asn8Lys (NM_001290307.3, NM_001323982.2, NM_001323983.1 and 3 more transcripts); c.-90C>G (NM_001290309.3); c.-183C>G (NM_001290310.3); short protein forms N8K.
Identifiers: ClinVar variation 4235632 (VCV004235632.2).

ClinVar aggregate classification (germline): Uncertain significance. Review status: criteria provided, multiple submitters, no conflicts (2 of 4 stars). 2 submissions from 2 submitters: Uncertain significance (2). Last evaluated 2026-01-17.

Conditions:
Hereditary cancer-predisposing syndrome. Also called: Hereditary Cancer Syndrome; Hereditary neoplastic syndrome; Neoplastic Syndromes, Hereditary; Tumor predisposition. Identifiers: Orphanet 140162, MedGen C0027672, MeSH D009386, MONDO:0015356.

Submissions (2):

Labcorp Genetics (formerly Invitae), Labcorp
Classification: Uncertain significance. Last evaluated: 2026-01-17. Review status: criteria provided, single submitter. Criteria: Invitae Variant Classification Sherloc (09022015). Collection method: clinical testing. Allele origin: germline.
Comment: This sequence change replaces asparagine, which is neutral and polar, with lysine, which is basic and polar, at codon 8 of the CTNNA1 protein (p.Asn8Lys). This variant is not present in population databases (gnomAD no frequency). This variant has not been reported in the literature in individuals affected with CTNNA1-related conditions. ClinVar contains an entry for this variant (Variation ID: 4235632). Invitae Evidence Modeling of protein sequence and biophysical properties (such as structural, functional, and spatial information, amino acid conservation, physicochemical variation, residue mobility, and thermodynamic stability) indicates that this missense variant is not expected to disrupt CTNNA1 protein function with a negative predictive value of 80%. In summary, the available evidence is currently insufficient to determine the role of this variant in disease. Therefore, it has been classified as a Variant of Uncertain Significance.

Ambry Genetics
Classification: Uncertain significance for Hereditary cancer-predisposing syndrome. Last evaluated: 2025-06-28. Review status: criteria provided, single submitter. Criteria: Ambry Variant Classification Scheme 2023. Collection method: clinical testing. Allele origin: germline.
Comment: The p.N8K variant (also known as c.24C>G), located in coding exon 1 of the CTNNA1 gene, results from a C to G substitution at nucleotide position 24. The asparagine at codon 8 is replaced by lysine, an amino acid with similar properties. This amino acid position is conserved. In addition, this alteration is predicted to be tolerated by in silico analysis. Based on the available evidence, the clinical significance of this variant remains unclear.